The following is an entry in ClinVar:

ClinVar aggregate classification (germline): Pathogenic/Likely pathogenic. Review status: criteria provided, multiple submitters, no conflicts (2 of 4 stars). 5 submissions from 5 submitters: Pathogenic (2); Likely pathogenic (3). Last evaluated 2026-09-01.

Conditions:
Hypophosphatasia. Also called: Phosphoethanol-aminuria. Identifiers: Orphanet 436, MedGen C0020630, MeSH D007014, MONDO:0018570.
Adult hypophosphatasia. Identifiers: Orphanet 247676, Orphanet 436, MedGen C0268413, MONDO:1010154, OMIM 146300, MONDO:0007798.

Submissions (5):

Genomenon, Inc
Classification: Pathogenic for Hypophosphatasia. Last evaluated: 2026-09-01. Review status: criteria provided, single submitter. Criteria: Genomenon Sequence Variant Interpretation Standards - Updated. Collection method: curation. Allele origin: germline. Affected: yes.
Comment: ALPL p.Ile72Val (c.214A>G) is a missense variant that changes the amino acid at codon 72 from Isoleucine to Valine. This variant has been observed in at least one proband affected with an ALPL-related disorder (PMID:41608645;36361766;32973344). At least one functional study has demonstrated a substantial alteration in protein function relative to the wild-type (PMID:40386289). It is absent or not present at a significant frequency in gnomAD. In silico models predict that this variant is possibly or probably damaging. In conclusion, we classify ALPL p.Ile72Val (c.214A>G) as a pathogenic variant.

Genomic Medicine Center of Excellence, King Faisal Specialist Hospital and Research Centre
Classification: Pathogenic for Adult hypophosphatasia. Last evaluated: 2024-09-22. Review status: criteria provided, single submitter. Criteria: ACMG Guidelines, 2015. Collection method: clinical testing. Allele origin: germline.

GeneDx
Classification: Likely pathogenic. Last evaluated: 2024-02-23. Review status: criteria provided, single submitter. Criteria: GeneDx Variant Classification Process June 2021. Collection method: clinical testing. Allele origin: germline. Affected: yes.
Comment: Not observed at significant frequency in large population cohorts (gnomAD); In silico analysis supports that this missense variant does not alter protein structure/function; This variant is associated with the following publications: (PMID: 32973344, 36361766, Alassaf_2015)

Illumina Laboratory Services, Illumina
Classification: Likely pathogenic for Hypophosphatasia. Last evaluated: 2022-04-06. Review status: criteria provided, single submitter. Criteria: ICSLVariantClassificationCriteria RUGD 01 April 2020. Collection method: clinical testing. Allele origin: unknown.
Comment: The ALPL c.214A>G (p.Ile72Val) missense variant results in the substitution of a isoleucine at amino acid position 72 with a valine. This variant has been reported in a homozygous state in two individuals, including one who presented with odontohypophosphatasia and one with infantile hypophosphatasia with pseudotumor cerebri (Alassaf et al. 2015; Yildiz et al. 2015). The p.Ile72Val variant is not found in version 2.1.1 or version 3.1.2 of the Genome Aggregation Database. This variant is located in the homodimer binding region, and a different missense variant impacting the same residue, c.215T>C (p.Ile72Thr), has been reported in association with both dominant and recessive hypophosphatasia with experimental evidence suggesting that it acts in dominant negative manner (PMID: 19500388; PMID: 22397652). Based on the available evidence, the p.Ile72Val variant is classified as likely pathogenic for hypophosphatasia.

JKU Lab, Dept of Paediatrics, Johannes Kepler University
Classification: Likely pathogenic for Hypophosphatasia. Last evaluated: 2021-12-13. Review status: criteria provided, single submitter. Criteria: ACMG Guidelines, 2015. Collection method: clinical testing. Allele origin: germline. Affected: yes. Observed: 1 homozygote.
Comment: This variant is absent from large population studies. Functional studies performed at the JKU Hoegler lab showed reduced ALPL activity. ACMG Criteria used for classification: PS3_mod, PM2_sup, PM3_sup, PP2_Sup, PP3_Sup, PP4_Mod.

Literature cited by the submitters: PubMed 41608645 (cited by Genomenon, Inc); PubMed 36361766 (cited by Genomenon, Inc); PubMed 32973344 (cited by Genomenon, Inc and JKU Lab, Dept of Paediatrics, Johannes Kepler University); PubMed 40386289 (cited by Genomenon, Inc); PubMed 19500388 (cited by Illumina Laboratory Services, Illumina); PubMed 22397652 (cited by Illumina Laboratory Services, Illumina).

NM_000478.6(ALPL):c.214A>G (p.Ile72Val)

Gene: ALPL (alkaline phosphatase, biomineralization associated; plus strand). Cytogenetic location: 1p36.12.
Variant type: single nucleotide variant.
Coding change: c.214A>G on transcript NM_000478.6 (MANE Select); coding-DNA position 214, A replaced by G.
Protein change: p.Ile72Val; replaces isoleucine 72 with valine.
Molecular consequence: missense variant. On other transcripts: intron variant (1).
Genome position (GRCh38, 1-based): chr1:21,561,129, A>G. VCF-style: chr1-21561129-A-G. GRCh37 (hg19) VCF-style: chr1-21887622-A-G.
Other names: c.214A>G (NM_000478.4); c.49A>G, p.Ile17Val (NM_001127501.4); c.214A>G, p.Ile72Val (NM_001369803.2, NM_001369804.2, NM_001369805.2); c.66+384A>G (NM_001177520.3); short protein forms I17V, I72V.
Identifiers: ClinVar variation 1334796 (VCV001334796.9), dbSNP rs2148152364, ClinGen allele CA338877933.